The following is an entry in ClinVar:

NM_005391.5(PDK3):c.223C>A (p.Pro75Thr)

Gene: PDK3 (pyruvate dehydrogenase kinase 3; plus strand). Cytogenetic location: Xp22.11.
Variant type: single nucleotide variant.
Coding change: c.223C>A on transcript NM_005391.5 (MANE Select); coding-DNA position 223, C replaced by A.
Protein change: p.Pro75Thr; replaces proline 75 with threonine.
Molecular consequence: missense variant.
Genome position (GRCh38, 1-based): chrX:24,494,858, C>A. VCF-style: chrX-24494858-C-A. GRCh37 (hg19) VCF-style: chrX-24512975-C-A.
Other names: c.223C>A, p.Pro75Thr (NM_001142386.3); short protein forms P75T.
Identifiers: ClinVar variation 1524920 (VCV001524920.6), dbSNP rs2148188335, ClinGen allele CA412604283.

ClinVar aggregate classification (germline): Uncertain significance (1 of 4 stars; one submission).

Conditions:
Charcot-Marie-Tooth disease X-linked dominant 6. Also called: CHARCOT-MARIE-TOOTH NEUROPATHY, X-LINKED DOMINANT, 6. Identifiers: Orphanet 352675, MedGen C3806702, MONDO:0010479, OMIM 300905.

Submission:

Labcorp Genetics (formerly Invitae), Labcorp
Classification: Uncertain significance for Charcot-Marie-Tooth disease X-linked dominant 6. Last evaluated: 2025-12-09. Review status: criteria provided, single submitter. Criteria: Invitae Variant Classification Sherloc (09022015). Collection method: clinical testing. Allele origin: germline.
Comment: This sequence change replaces proline, which is neutral and non-polar, with threonine, which is neutral and polar, at codon 75 of the PDK3 protein (p.Pro75Thr). This variant is not present in population databases (gnomAD no frequency). This variant has not been reported in the literature in individuals affected with PDK3-related conditions. ClinVar contains an entry for this variant (Variation ID: 1524920). Invitae Evidence Modeling of protein sequence and biophysical properties (such as structural, functional, and spatial information, amino acid conservation, physicochemical variation, residue mobility, and thermodynamic stability) indicates that this missense variant is not expected to disrupt PDK3 protein function with a negative predictive value of 80%. In summary, the available evidence is currently insufficient to determine the role of this variant in disease. Therefore, it has been classified as a Variant of Uncertain Significance.